The following is an entry in ClinVar:

ClinVar aggregate classification (germline): Pathogenic. Review status: criteria provided, multiple submitters, no conflicts (2 of 4 stars). 7 submissions from 7 submitters: Pathogenic (7). Last evaluated 2025-11-07.

Conditions:
NPHP3-related disorder. Also called: NPHP3-related condition; NPHP3-related disorders. Identifiers: MedGen CN379163.
Renal-hepatic-pancreatic dysplasia 1 (RHPD1). Identifiers: MedGen C3715199, MONDO:0008833, OMIM 208540.
Nephronophthisis 3 (NPHP3). Also called: Adolescent nephronophthisis. Identifiers: Orphanet 655, MedGen C1858392, MONDO:0011456, OMIM 604387.
NPHP3-related Meckel-like syndrome. Also called: Meckel syndrome type 7; GOLDSTON SYNDROME. Identifiers: Orphanet 3032, MedGen C2673885, MONDO:0009966, OMIM 267010.
Nephronophthisis. Also called: Juvenile Nephronophthisis. Identifiers: Orphanet 655, MedGen C0687120, MONDO:0019005, HP:0000090.

Submissions (7):

PreventionGenetics, part of Exact Sciences
Classification: Pathogenic for NPHP3-related condition. Last evaluated: 2025-11-07. Review status: criteria provided, single submitter. Criteria: ACMG Guidelines, 2015. Collection method: clinical testing. Allele origin: germline.
Comment: The NPHP3 c.434_437delAAAG variant is predicted to result in a frameshift and premature protein termination (p.Glu145Valfs*3). This variant has been reported in the compound heterozygous state in two individuals with nephronophthisis, and reported in a third affected individual where no second hit was found (Farwell et al. 2015. PubMed ID: 25356970; Ajiboye et al. 2023. PubMed ID: 37992003; Halbritter et al. 2012. PubMed ID: 23188109). This variant is reported in 0.011% of alleles in individuals of Latino descent in gnomAD. Frameshift variants in NPHP3 are expected to be pathogenic. This variant is interpreted as pathogenic.

GeneDx
Classification: Pathogenic. Last evaluated: 2025-09-11. Review status: criteria provided, single submitter. Criteria: GeneDx Variant Classification Process June 2021. Collection method: clinical testing. Allele origin: germline.
Comment: Frameshift variant predicted to result in protein truncation or nonsense mediated decay in a gene for which loss of function is a known mechanism of disease; Not observed at significant frequency in large population cohorts (gnomAD); This variant is associated with the following publications: (PMID: 31589614, 37992003, 33532864, 37230223, 25356970, 23188109)

Labcorp Genetics (formerly Invitae), Labcorp
Classification: Pathogenic for Nephronophthisis. Last evaluated: 2025-05-21. Review status: criteria provided, single submitter. Criteria: Invitae Variant Classification Sherloc (09022015). Collection method: clinical testing. Allele origin: germline.
Comment: This sequence change creates a premature translational stop signal (p.Glu145Valfs*3) in the NPHP3 gene. It is expected to result in an absent or disrupted protein product. Loss-of-function variants in NPHP3 are known to be pathogenic (PMID: 18371931, 23559409). This variant is present in population databases (rs763300393, gnomAD 0.01%). This premature translational stop signal has been observed in individual(s) with clinical features of nephronophthisis (PMID: 23188109). ClinVar contains an entry for this variant (Variation ID: 195423). For these reasons, this variant has been classified as Pathogenic.

Blueprint Genetics
Classification: Pathogenic for NPHP3-related disorders. Last evaluated: 2022-08-31. Review status: criteria provided, single submitter. Criteria: ACMG Guidelines, 2015. Collection method: clinical testing. Allele origin: germline. Affected: yes. Observed: 3 variant alleles.

Fulgent Genetics
Classification: Pathogenic for Renal-hepatic-pancreatic dysplasia 1; NPHP3-related Meckel-like syndrome; Nephronophthisis 3. Last evaluated: 2021-12-23. Review status: criteria provided, single submitter. Criteria: ACMG Guidelines, 2015. Collection method: clinical testing. Allele origin: unknown.

Molecular Biology Laboratory, Fundació Puigvert
Classification: Pathogenic for Nephronophthisis 3. Last evaluated: 2020-02-01. Review status: criteria provided, single submitter. Criteria: ACMG Guidelines, 2015. Collection method: research. Allele origin: inherited. Affected: yes. Study: KidneyPanel_2020.

Eurofins Ntd Llc (ga)
Classification: Pathogenic. Last evaluated: 2014-09-16. Review status: criteria provided, single submitter. Criteria: EGL Classification Definitions 2015. Collection method: clinical testing. Allele origin: germline. Observed: 2 variant alleles, 2 heterozygotes.

Literature cited by the submitters: PubMed 18371931 (cited by Labcorp Genetics (formerly Invitae), Labcorp); PubMed 23559409 (cited by Labcorp Genetics (formerly Invitae), Labcorp); PubMed 23188109 (cited by Labcorp Genetics (formerly Invitae), Labcorp and Eurofins Ntd Llc (ga)); PubMed 33532864 (cited by Molecular Biology Laboratory, Fundació Puigvert).

NM_153240.5(NPHP3):c.434_437del (p.Glu145fs)

Genes: NPHP3 (nephrocystin 3; minus strand), NPHP3-ACAD11 (NPHP3-ACAD11 readthrough (NMD candidate); minus strand). Cytogenetic location: 3q22.1.
Variant type: Microsatellite.
Coding change: c.434_437del on transcript NM_153240.5 (MANE Select); coding-DNA positions 434 to 437, 4 bases deleted (AAAG; older notation c.434_437delAAAG).
Protein change: p.Glu145fs; shifts the reading frame from glutamic acid 145.
Molecular consequence: frameshift variant. On other transcripts: non-coding transcript variant (1).
Genome position (GRCh38, 1-based): chr3:132,719,787-132,719,790, CTTT deleted on the plus strand (AAAG on the coding strand, the reverse complement: NPHP3 is on the minus strand); deleting any 4 consecutive bases within chr3:132,719,787-132,719,794 gives the same sequence; the c. name uses the placement nearest the transcript's 3' end. VCF-style (leftmost placement, unchanged base first): chr3-132719786-ACTTT-A. GRCh37 (hg19) VCF-style: chr3-132438630-ACTTT-A.
Other names: c.434_437delAAAG (NM_153240.4); short protein forms E145fs.
Identifiers: ClinVar variation 195423 (VCV000195423.18), dbSNP rs763300393, ClinGen allele CA201731.